The following is an entry in ClinVar:

ClinVar aggregate classification (germline): Uncertain significance (1 of 4 stars; one submission).

Allele frequency attached by ClinVar (database versions not stated): gnomAD exomes 0.00001.

Submission:

CeGaT Center for Human Genetics Tuebingen
Classification: Uncertain significance. Last evaluated: 2022-08-01. Review status: criteria provided, single submitter. Criteria: CeGaT Center For Human Genetics Tuebingen Variant Classification Criteria Version 2. Collection method: clinical testing. Allele origin: germline. Affected: yes. Observed: 1 variant allele.
Comment: SRGAP1: PM2

NM_020762.4(SRGAP1):c.760G>A (p.Val254Ile)

Gene: SRGAP1 (SLIT-ROBO Rho GTPase activating protein 1; plus strand). Cytogenetic location: 12q14.2.
Variant type: single nucleotide variant.
Coding change: c.760G>A on transcript NM_020762.4 (MANE Select); coding-DNA position 760, G replaced by A.
Protein change: p.Val254Ile; replaces valine 254 with isoleucine.
Molecular consequence: missense variant.
Genome position (GRCh38, 1-based): chr12:64,043,534, G>A. VCF-style: chr12-64043534-G-A. GRCh37 (hg19) VCF-style: chr12-64437314-G-A.
Other names: c.760G>A, p.Val254Ile (NM_001346201.2); short protein forms V254I.
Identifiers: ClinVar variation 1711350 (VCV001711350.30), dbSNP rs2498964220, ClinGen allele CA385665249.